The following is an entry in ClinVar:

ClinVar aggregate classification (germline): Uncertain significance (1 of 4 stars; one submission).

Conditions:
Primary ciliary dyskinesia. Also called: Ciliary dyskinesia. Identifiers: Orphanet 244, MedGen C0008780, MONDO:0016575, HP:0012265.

Allele frequency attached by ClinVar (database versions not stated): TOPMed below 0.00001; ExAC 0.00001.
gnomAD v4.1: 2 of 1,614,088 alleles (0.00012%); highest among the groups gnomAD compares: South Asian, 0.0011%; no homozygotes.

Submission:

Ambry Genetics
Classification: Uncertain significance for Primary ciliary dyskinesia. Last evaluated: 2015-08-07. Review status: criteria provided, single submitter. Criteria: Ambry Variant Classification Scheme 2023. Collection method: clinical testing. Allele origin: germline.
Comment: The p.H3317R variant (also known as c.9950A>G), located in coding exon 59 of the DNAH5 gene, results from an A to G substitution at nucleotide position 9950. The histidine at codon 3317 is replaced by arginine, an amino acid with highly similar properties. This variant was not reported in population based cohorts in the following databases: Database of Single Nucleotide Polymorphisms (dbSNP), NHLBI Exome Sequencing Project (ESP), and 1000 Genomes Project. In the ESP, this variant was not observed in 6503 samples (13006 alleles) with coverage at this position. This amino acid position is well conserved in available vertebrate species. In addition, this alteration is predicted to be tolerated by in silico analysis. Since supporting evidence is limited at this time, the clinical significance of this variant remains unclear.

NM_001369.3(DNAH5):c.9950A>G (p.His3317Arg)

Gene: DNAH5 (dynein axonemal heavy chain 5; minus strand). Cytogenetic location: 5p15.2.
Variant type: single nucleotide variant.
Coding change: c.9950A>G on transcript NM_001369.3 (MANE Select); coding-DNA position 9950, A replaced by G.
Protein change: p.His3317Arg; replaces histidine 3317 with arginine.
Molecular consequence: missense variant.
Genome position (GRCh38, 1-based): chr5:13,766,127, T>C on the plus strand (A>G on the coding strand, the complement: DNAH5 is on the minus strand). VCF-style: chr5-13766127-T-C. GRCh37 (hg19) VCF-style: chr5-13766236-T-C.
Other names: short protein forms H3317R.
Identifiers: ClinVar variation 1768711 (VCV001768711.2), dbSNP rs755181591, ClinGen allele CA3202371.